The following is an entry in ClinVar:

ClinVar aggregate classification (germline): Pathogenic. Review status: criteria provided, multiple submitters, no conflicts (2 of 4 stars). 9 submissions from 8 submitters: Pathogenic (7). 2 of the submissions do not count toward it. Last evaluated 2025-12-18.

Conditions:
Acrocallosal syndrome (ACLS). Also called: Schinzel syndrome 1; Absence of corpus callosum with unusual facial appearance, mental deficiency, duplication of the halluces and polydactyly; HALLUX DUPLICATION, POSTAXIAL POLYDACTYLY, AND ABSENCE OF CORPUS CALLOSUM. Identifiers: Orphanet 36, MedGen C0796147, MONDO:0008708, OMIM 200990.
Hydrolethalus syndrome 2 (HLS2). Identifiers: Orphanet 2189, MedGen C3279899, MONDO:0013585, OMIM 614120.
Multiple epiphyseal dysplasia, Al-Gazali type. Also called: Macrocephaly with multiple epiphyseal dysplasia and distinctive facies. Identifiers: Orphanet 166024, MedGen C1846722, MONDO:0011778, OMIM 607131.
KIF7-related disorder. Also called: KIF7-related condition.

Allele frequency attached by ClinVar (database versions not stated): gnomAD exomes 0.00001 and 0.00002; gnomAD 0.00005 and 0.00006; TOPMed 0.00007.

Submissions (9):

Laboratory of Human Genetics, Universidade de São Paulo
Classification: Pathogenic for Acrocallosal syndrome. Last evaluated: 2025-12-18. Review status: criteria provided, single submitter. Criteria: ACMG Guidelines, 2015. Collection method: research. Allele origin: biparental. Affected: yes.
Comment: Homozygous variant classified as pathogenic according to ACMG/AMP guidelines (PVS1, PS3, PM2, PP5).

Labcorp Genetics (formerly Invitae), Labcorp
Classification: Pathogenic for Acrocallosal syndrome. Last evaluated: 2025-11-11. Review status: criteria provided, single submitter. Criteria: Invitae Variant Classification Sherloc (09022015). Collection method: clinical testing. Allele origin: germline.
Comment: This sequence change creates a premature translational stop signal (p.Ala966Profs*81) in the KIF7 gene. It is expected to result in an absent or disrupted protein product. Loss-of-function variants in KIF7 are known to be pathogenic (PMID: 19666503, 21552264, 21633164, 26648833). This variant is present in population databases (rs752248403, gnomAD 0.004%). This premature translational stop signal has been observed in individual(s) with KIF7-related conditions (PMID: 21552264, 27081521). ClinVar contains an entry for this variant (Variation ID: 30895). Algorithms developed to predict the effect of sequence changes on RNA splicing suggest that this variant may disrupt the consensus splice site. For these reasons, this variant has been classified as Pathogenic.

Blueprint Genetics
Classification: Pathogenic for KIF7-related disorders. Last evaluated: 2024-10-02. Review status: criteria provided, single submitter. Criteria: ACMG Guidelines, 2015. Collection method: clinical testing. Allele origin: germline. Affected: yes. Observed: 3 variant alleles.

Fulgent Genetics
Classification: Pathogenic for Acrocallosal syndrome; Multiple epiphyseal dysplasia, Al-Gazali type; Hydrolethalus syndrome 2. Last evaluated: 2024-06-24. Review status: criteria provided, single submitter. Criteria: ACMG Guidelines, 2015. Collection method: clinical testing. Allele origin: germline.

Revvity Omics, Revvity
Classification: Pathogenic. Last evaluated: 2024-06-24. Review status: criteria provided, single submitter. Criteria: ACMG Guidelines, 2015. Collection method: clinical testing. Allele origin: germline.

GeneDx
Classification: Pathogenic. Last evaluated: 2023-09-09. Review status: criteria provided, single submitter. Criteria: GeneDx Variant Classification Process June 2021. Collection method: clinical testing. Allele origin: germline. Affected: yes.
Comment: Frameshift variant predicted to result in protein truncation or nonsense mediated decay in a gene for which loss-of-function is a known mechanism of disease; Not observed at a significant frequency in large population cohorts (gnomAD); This variant is associated with the following publications: (PMID: 21552264, 27081521, 27894351, 31589614, 34884862)

Dasa
Classification: Pathogenic for Multiple epiphyseal dysplasia, Al-Gazali type. Last evaluated: 2022-03-05. Review status: criteria provided, single submitter. Criteria: ACMG Guidelines, 2015. Collection method: clinical testing. Allele origin: germline. Affected: yes. Observed: 1 variant allele.
Comment: The c.2896_2897delGC;p.(Ala966Profs*81) is a null frameshift variant (NMD) in the KIF7 gene and predicts alteration of the nonsense-mediate decay - NMD is present in a relevant exon to the transcript - PVS1. This sequence change has been observed in affected individual(s) and ClinVar contains an entry for this variant (ClinVar ID: 30895; PMID: 21552264) - PS4. The variant is present at low allele frequencies population databases (rs752248403 – gnomAD 0.00006457%; ABraOM 0.000854 frequency) - PM2_supporting. In summary, the currently available evidence indicates that the variant is pathogenic.

OMIM
Classification: Pathogenic for HYDROLETHALUS SYNDROME 2 (1 family). Last evaluated: 2011-06-01. Review status: no assertion criteria provided. Collection method: literature only. Allele origin: germline. Not counted in ClinVar's aggregate classification.

OMIM
Classification: Pathogenic for ACROCALLOSAL SYNDROME. Last evaluated: 2011-06-01. Review status: no assertion criteria provided. Collection method: literature only. Allele origin: germline. Not counted in ClinVar's aggregate classification.

Literature cited by the submitters: PubMed 19666503 (cited by Labcorp Genetics (formerly Invitae), Labcorp); PubMed 21552264 (cited by 3 submitters); PubMed 21633164 (cited by Labcorp Genetics (formerly Invitae), Labcorp); PubMed 26648833 (cited by Labcorp Genetics (formerly Invitae), Labcorp); PubMed 27081521 (cited by Labcorp Genetics (formerly Invitae), Labcorp).

NM_198525.3(KIF7):c.2896_2897del (p.Ala966fs)

Gene: KIF7 (kinesin family member 7; minus strand). Cytogenetic location: 15q26.1.
Variant type: Deletion.
Coding change: c.2896_2897del on transcript NM_198525.3 (MANE Select); coding-DNA positions 2896 to 2897, 2 bases deleted (GC; older notation c.2896_2897delGC).
Protein change: p.Ala966fs; shifts the reading frame from alanine 966.
Molecular consequence: frameshift variant.
Genome position (GRCh38, 1-based): chr15:89,631,709-89,631,710, GC deleted on the plus strand (GC on the coding strand, the reverse complement: KIF7 is on the minus strand). VCF-style (leftmost placement, unchanged base first): chr15-89631708-GGC-G. GRCh37 (hg19) VCF-style: chr15-90174939-GGC-G.
Other names: c.2896_2897delGC (NM_198525.3); short protein forms A966fs.
Identifiers: ClinVar variation 30895 (VCV000030895.15), dbSNP rs752248403, ClinGen allele CA129522.
Genomic context (GRCh38, chr15:89,631,708, plus strand): 5'-GGACAGCTCCTTCTCCAGGTGCTCCAGCCGGCTGGACACTCGCACGATGTCCTCGTTGAG[GGC>G]CTGGGGGCAGAATCACCAGGGATTAGAGAAGGAACAGGCACTGTCCTCACAGGGGGGACA-3'